The following is an entry in ClinVar:

NM_006031.6(PCNT):c.9698C>G (p.Pro3233Arg)

Gene: PCNT (pericentrin; plus strand). Cytogenetic location: 21q22.3.
Variant type: single nucleotide variant.
Coding change: c.9698C>G on transcript NM_006031.6 (MANE Select); coding-DNA position 9698, C replaced by G.
Protein change: p.Pro3233Arg; replaces proline 3233 with arginine.
Molecular consequence: missense variant.
Genome position (GRCh38, 1-based): chr21:46,442,571, C>G. VCF-style: chr21-46442571-C-G. GRCh37 (hg19) VCF-style: chr21-47862484-C-G.
Other names: c.9107C>G, p.Pro3036Arg (NM_001315529.2); short protein forms P3233R, P3036R.
Identifiers: ClinVar variation 159695 (VCV000159695.8), dbSNP rs373681566, ClinGen allele CA251132.

ClinVar aggregate classification (germline): Uncertain significance. Review status: criteria provided, multiple submitters, no conflicts (2 of 4 stars). 2 submissions from 2 submitters: Uncertain significance (2). Last evaluated 2022-08-10.

Conditions:
Microcephalic osteodysplastic primordial dwarfism type II (MOPD2). Also called: Microcephalic osteodysplastic primordial dwarfism with tooth abnormalities; MOPD II; OSTEODYSPLASTIC PRIMORDIAL DWARFISM, TYPE II. Identifiers: Orphanet 2637, MedGen C0432246, MONDO:0008872, OMIM 210720.

Allele frequency attached by ClinVar (database versions not stated): gnomAD exomes below 0.00001 and 0.00001; ExAC 0.00002; gnomAD 0.00005 and 0.00006; TOPMed 0.00005; ESP Exome Variant Server 0.00008.
gnomAD v4.1: 12 of 1,595,034 alleles (0.00075%); highest among the groups gnomAD compares: African/African-American, 0.016%; no homozygotes.

Submissions (2):

Labcorp Genetics (formerly Invitae), Labcorp
Classification: Uncertain significance. Last evaluated: 2022-08-10. Review status: criteria provided, single submitter. Criteria: Invitae Variant Classification Sherloc (09022015). Collection method: clinical testing. Allele origin: germline.
Comment: This sequence change replaces proline, which is neutral and non-polar, with arginine, which is basic and polar, at codon 3233 of the PCNT protein (p.Pro3233Arg). This variant is present in population databases (rs373681566, gnomAD 0.02%). This variant has not been reported in the literature in individuals affected with PCNT-related conditions. ClinVar contains an entry for this variant (Variation ID: 159695). Algorithms developed to predict the effect of missense changes on protein structure and function are either unavailable or do not agree on the potential impact of this missense change (SIFT: "Tolerated"; PolyPhen-2: "Probably Damaging"; Align-GVGD: "Class C0"). Algorithms developed to predict the effect of sequence changes on RNA splicing suggest that this variant may disrupt the consensus splice site. In summary, the available evidence is currently insufficient to determine the role of this variant in disease. Therefore, it has been classified as a Variant of Uncertain Significance.

Genetic Services Laboratory, University of Chicago
Classification: Uncertain significance for Microcephalic osteodysplastic primordial dwarfism, type II. Last evaluated: 2013-11-15. Review status: criteria provided, single submitter. Criteria: ACMG Guidelines, 2007. Collection method: clinical testing. Allele origin: germline. Inheritance: Autosomal recessive inheritance.